The following is an entry in ClinVar:

ClinVar aggregate classification (germline): Conflicting classifications of pathogenicity. Review status: criteria provided, conflicting classifications (1 of 4 stars). 3 submissions from 3 submitters: Likely pathogenic (1); Uncertain significance (2). Last evaluated 2026-07-14.

Conditions:
Galactosylceramide beta-galactosidase deficiency. Also called: Krabbe Disease; GALACTOCEREBROSIDASE DEFICIENCY; GALC DEFICIENCY; GLOBOID CELL LEUKOENCEPHALOPATHY; Leukodystrophy, Globoid Cell. Identifiers: Orphanet 487, MedGen C0023521, MONDO:0009499, OMIM 245200.

Allele frequency attached by ClinVar (database versions not stated): gnomAD exomes below 0.00001.
gnomAD v4.1: 4 of 1,612,792 alleles (0.00025%); highest among the groups gnomAD compares: African/African-American, 0.0013%; no homozygotes.

Submissions (3):

Myriad Genetics, Inc.
Classification: Uncertain significance for Galactosylceramide beta-galactosidase deficiency. Last evaluated: 2026-07-14. Review status: criteria provided, single submitter. Criteria: Myriad Autosomal Dominant, Autosomal Recessive and X-Linked Classification Criteria (2023). Collection method: clinical testing. Allele origin: unknown.
Comment: NM_000153.3(GALC):c.1469A>G(Y490C) is a missense variant classified as a variant of uncertain significance in the context of Krabbe disease. Y490C has not been observed in cases with relevant disease. Relevant functional assessments of this variant are not available in the literature. Y490C has not been observed in referenced population frequency databases. In summary, there is insufficient evidence to classify NM_000153.3(GALC):c.1469A>G(Y490C) as pathogenic or benign. Please note: this variant was assessed in the context of healthy population screening.

Women's Health and Genetics/Laboratory Corporation of America, LabCorp
Classification: Uncertain significance. Last evaluated: 2025-07-25. Review status: criteria provided, single submitter. Criteria: LabCorp Variant Classification Summary - May 2015. Collection method: clinical testing. Allele origin: germline.
Comment: Variant summary: GALC c.1469A>G (p.Tyr490Cys) results in a non-conservative amino acid change in the encoded protein sequence. Algorithms developed to predict the effect of missense changes on protein structure and function all suggest that this variant is likely to be disruptive. The variant was absent in 248972 control chromosomes (gnomAD). The available data on variant occurrences in the general population are insufficient to allow any conclusion about variant significance. To our knowledge, no occurrence of c.1469A>G in individuals affected with Krabbe Disease and no experimental evidence demonstrating its impact on protein function have been reported. A different variant affecting the same codon has been classified as likely pathogenic by our lab (c.1468T>A, p.Tyr490Asn). ClinVar contains an entry for this variant (Variation ID: 2100859). Based on the evidence outlined above, the variant was classified as uncertain significance.

Labcorp Genetics (formerly Invitae), Labcorp
Classification: Likely pathogenic for Galactosylceramide beta-galactosidase deficiency. Last evaluated: 2022-10-05. Review status: criteria provided, single submitter. Criteria: Invitae Variant Classification Sherloc (09022015). Collection method: clinical testing. Allele origin: germline.
Comment: In summary, the currently available evidence indicates that the variant is pathogenic, but additional data are needed to prove that conclusively. Therefore, this variant has been classified as Likely Pathogenic. This variant disrupts the p.Tyr490 amino acid residue in GALC. Other variant(s) that disrupt this residue have been determined to be pathogenic (PMID: 20886637, 21824559, 27638593). This suggests that this residue is clinically significant, and that variants that disrupt this residue are likely to be disease-causing. Advanced modeling of protein sequence and biophysical properties (such as structural, functional, and spatial information, amino acid conservation, physicochemical variation, residue mobility, and thermodynamic stability) performed at Invitae indicates that this missense variant is expected to disrupt GALC protein function. This variant has not been reported in the literature in individuals affected with GALC-related conditions. This variant is not present in population databases (gnomAD no frequency). This sequence change replaces tyrosine, which is neutral and polar, with cysteine, which is neutral and slightly polar, at codon 490 of the GALC protein (p.Tyr490Cys).

Literature cited by the submitters: PubMed 20886637 (cited by Labcorp Genetics (formerly Invitae), Labcorp); PubMed 21824559 (cited by Labcorp Genetics (formerly Invitae), Labcorp); PubMed 27638593 (cited by Labcorp Genetics (formerly Invitae), Labcorp).

NM_000153.4(GALC):c.1469A>G (p.Tyr490Cys)

Gene: GALC (galactosylceramidase; minus strand). Cytogenetic location: 14q31.3.
Variant type: single nucleotide variant.
Coding change: c.1469A>G on transcript NM_000153.4 (MANE Select); coding-DNA position 1469, A replaced by G.
Protein change: p.Tyr490Cys; replaces tyrosine 490 with cysteine.
Molecular consequence: missense variant.
Genome position (GRCh38, 1-based): chr14:87,947,748, T>C on the plus strand (A>G on the coding strand, the complement: GALC is on the minus strand). VCF-style: chr14-87947748-T-C. GRCh37 (hg19) VCF-style: chr14-88414092-T-C.
Other names: c.1400A>G, p.Tyr467Cys (NM_001201401.2); c.1391A>G, p.Tyr464Cys (NM_001201402.2); short protein forms Y464C, Y490C, Y467C.
Identifiers: ClinVar variation 2100859 (VCV002100859.8), dbSNP rs2503362421, ClinGen allele CA390746413.